The following is an entry in ClinVar:

NM_032447.5(FBN3):c.6323G>A (p.Arg2108His)

Gene: FBN3 (fibrillin 3; minus strand). Cytogenetic location: 19p13.2.
Variant type: single nucleotide variant.
Coding change: c.6323G>A on transcript NM_032447.5 (MANE Select); coding-DNA position 6323, G replaced by A.
Protein change: p.Arg2108His; replaces arginine 2108 with histidine.
Molecular consequence: missense variant.
Genome position (GRCh38, 1-based): chr19:8,089,598, C>T on the plus strand (G>A on the coding strand, the complement: FBN3 is on the minus strand). VCF-style: chr19-8089598-C-T. GRCh37 (hg19) VCF-style: chr19-8154482-C-T.
Other names: c.6323G>A, p.Arg2108His (NM_001321431.2); short protein forms R2108H.
Identifiers: ClinVar variation 2196994 (VCV002196994.4), dbSNP rs768086589, ClinGen allele CA9151331.

ClinVar aggregate classification (germline): Uncertain significance (1 of 4 stars; one submission).

Allele frequency attached by ClinVar (database versions not stated): gnomAD 0.00001; ExAC 0.00002; TOPMed 0.00003.
gnomAD v4.1: 5 of 1,614,054 alleles (0.00031%); highest among the groups gnomAD compares: East Asian, 0.0045%; no homozygotes.

Submission:

Labcorp Genetics (formerly Invitae), Labcorp
Classification: Uncertain significance. Last evaluated: 2025-03-20. Review status: criteria provided, single submitter. Criteria: Invitae Variant Classification Sherloc (09022015). Collection method: clinical testing. Allele origin: germline.
Comment: This sequence change replaces arginine, which is basic and polar, with histidine, which is basic and polar, at codon 2108 of the FBN3 protein (p.Arg2108His). This variant is present in population databases (rs768086589, gnomAD 0.01%). This variant has not been reported in the literature in individuals affected with FBN3-related conditions. ClinVar contains an entry for this variant (Variation ID: 2196994). Invitae Evidence Modeling of protein sequence and biophysical properties (such as structural, functional, and spatial information, amino acid conservation, physicochemical variation, residue mobility, and thermodynamic stability) indicates that this missense variant is expected to disrupt FBN3 protein function with a positive predictive value of 80%. In summary, the available evidence is currently insufficient to determine the role of this variant in disease. Therefore, it has been classified as a Variant of Uncertain Significance.